The following is an entry in ClinVar:

ClinVar aggregate classification (germline): Conflicting classifications of pathogenicity. Review status: criteria provided, conflicting classifications (1 of 4 stars). 5 submissions from 5 submitters: Uncertain significance (1); Benign (2); Likely benign (2). Last evaluated 2026-03-01.

Conditions:
Inborn genetic diseases. Identifiers: MedGen C0950123, MeSH D030342.

Allele frequency attached by ClinVar (database versions not stated): 1000 Genomes Project 0.00026; gnomAD exomes 0.00031; ExAC 0.00040; 1000 Genomes Project 30x 0.00042; gnomAD 0.00117 and 0.00131; TOPMed 0.00139; ESP Exome Variant Server 0.00142.
gnomAD v4.1: 285 of 1,199,546 alleles (0.024%); highest among the groups gnomAD compares: African/African-American, 0.41%; no homozygotes.

Submissions (5):

CeGaT Center for Human Genetics Tuebingen
Classification: Likely benign. Last evaluated: 2026-03-01. Review status: criteria provided, single submitter. Criteria: CeGaT Center For Human Genetics Tuebingen Variant Classification Criteria Version 2. Collection method: clinical testing. Allele origin: germline. Affected: yes. Observed: 1 variant allele.
Comment: HUWE1: BP4, BP7, BS2

Labcorp Genetics (formerly Invitae), Labcorp
Classification: Benign. Last evaluated: 2025-11-23. Review status: criteria provided, single submitter. Criteria: Invitae Variant Classification Sherloc (09022015). Collection method: clinical testing. Allele origin: germline.

GeneDx
Classification: Benign. Last evaluated: 2020-09-02. Review status: criteria provided, single submitter. Criteria: GeneDx Variant Classification Process June 2021. Collection method: clinical testing. Allele origin: germline. Affected: yes.

Ambry Genetics
Classification: Likely benign for Inborn genetic diseases. Last evaluated: 2016-12-23. Review status: criteria provided, single submitter. Criteria: Ambry Variant Classification Scheme 2023. Collection method: clinical testing. Allele origin: germline.

Genetic Services Laboratory, University of Chicago
Classification: Uncertain significance. Last evaluated: 2015-04-23. Review status: criteria provided, single submitter. Criteria: ACMG Guidelines, 2015. Collection method: clinical testing. Allele origin: germline.

NM_031407.7(HUWE1):c.3966G>A (p.Leu1322=)

Genes: HUWE1 (HECT, UBA and WWE domain containing E3 ubiquitin protein ligase 1; minus strand), LOC126863263 (BRD4-independent group 4 enhancer GRCh37_chrX:53619238-53620437; plus strand). Cytogenetic location: Xp11.22.
Variant type: single nucleotide variant.
Coding change: c.3966G>A on transcript NM_031407.7 (MANE Select); coding-DNA position 3966, G replaced by A.
Protein change: p.Leu1322=; no amino-acid change (leucine 1322 retained).
Molecular consequence: synonymous variant.
Genome position (GRCh38, 1-based): chrX:53,592,404, C>T on the plus strand (G>A on the coding strand, the complement: HUWE1 is on the minus strand). VCF-style: chrX-53592404-C-T. GRCh37 (hg19) VCF-style: chrX-53619364-C-T.
Identifiers: ClinVar variation 211165 (VCV000211165.25), dbSNP rs140959967, ClinGen allele CA209482.
Genomic context (GRCh38, chrX:53,592,404, plus strand): 5'-CACACTCCATTGGGTGCAAAGTCTGGACCCTGGAGTGTGAGGCCAGTACCCTACCTGTTG[C>T]AGTTGTTGCTGGTTGACTTGAGGTTCCCGGCGGGAGCCACCTTCCTCTTGCCCTGTATCC-3'
Protein context (NP_113584.3, residues 1312-1332): RREPQVNQQQ[Leu1322=]QQLMDMGFTR